The following is an entry in ClinVar:

NM_001374736.1(DST):c.19135A>T (p.Met6379Leu)

Gene: DST (dystonin; minus strand). Cytogenetic location: 6p12.1.
Variant type: single nucleotide variant.
Coding change: c.19135A>T on transcript NM_001374736.1 (MANE Select); coding-DNA position 19135, A replaced by T.
Protein change: p.Met6379Leu; replaces methionine 6379 with leucine.
Molecular consequence: missense variant.
Genome position (GRCh38, 1-based): chr6:56,508,633, T>A on the plus strand (A>T on the coding strand, the complement: DST is on the minus strand). VCF-style: chr6-56508633-T-A. GRCh37 (hg19) VCF-style: chr6-56373431-T-A.
Other names: c.12778A>T, p.Met4260Leu (NM_001144769.5); c.12364A>T, p.Met4122Leu (NM_001144770.2); c.19135A>T, p.Met6379Leu (NM_001374722.1); c.18175A>T, p.Met6059Leu (NM_001374729.1); c.11917A>T, p.Met3973Leu (NM_001374730.1); c.19162A>T, p.Met6388Leu (NM_001374734.1); c.12244A>T, p.Met4082Leu (NM_001386100.1, NM_183380.4); c.11266A>T, p.Met3756Leu (NM_015548.5); short protein forms M3756L, M3973L, M4082L, M4122L, M4260L, M6059L, M6379L, M6388L.
Identifiers: ClinVar variation 1063693 (VCV001063693.7), dbSNP rs757935802, ClinGen allele CA3867067.

ClinVar aggregate classification (germline): Uncertain significance (1 of 4 stars; one submission).

Conditions:
Hereditary sensory and autonomic neuropathy type 6. Also called: HSAN VI; Neuropathy, hereditary sensory and autonomic, type VI. Identifiers: Orphanet 314381, MedGen C3539003, MONDO:0013839, OMIM 614653.
Epidermolysis bullosa simplex 3, localized or generalized intermediate, with BP230 deficiency (EBS3). Also called: Epidermolysis bullosa simplex due to BP230 deficiency; Epidermolysis bullosa simplex, autosomal recessive 2. Identifiers: Orphanet 412181, MedGen C3809470, MONDO:0014180, OMIM 615425.

Allele frequency attached by ClinVar (database versions not stated): gnomAD exomes below 0.00001; TOPMed below 0.00001; ExAC 0.00001; gnomAD 0.00001.
gnomAD v4.1: 2 of 1,613,784 alleles (0.00012%); highest among the groups gnomAD compares: Non-Finnish European, 0.00017%; no homozygotes.

Submission:

Labcorp Genetics (formerly Invitae), Labcorp
Classification: Uncertain significance for Epidermolysis bullosa simplex 3, localized or generalized intermediate, with BP230 deficiency; Hereditary sensory and autonomic neuropathy type 6. Last evaluated: 2020-02-22. Review status: criteria provided, single submitter. Criteria: Invitae Variant Classification Sherloc (09022015). Collection method: clinical testing. Allele origin: germline.
Comment: This sequence change replaces methionine with leucine at codon 3756 of the DST protein (p.Met3756Leu). The methionine residue is moderately conserved and there is a small physicochemical difference between the two amino acids. The DST gene has multiple clinically relevant transcripts. This variant occurs in alternate transcript NM_015548.4, and corresponds to NM_001723.5:c.*106884A>T in the primary transcript. This variant is present in population databases (rs757935802, ExAC 0.001%). This variant has not been reported in the literature in individuals with DST-related conditions. Experimental studies and prediction algorithms are not available or were not evaluated, and the functional significance of this variant is currently unknown. In summary, the available evidence is currently insufficient to determine the role of this variant in disease. Therefore, it has been classified as a Variant of Uncertain Significance.